The following is an entry in ClinVar:

NM_152730.6(TBC1D32):c.3026A>G (p.Gln1009Arg)

Gene: TBC1D32 (TBC1 domain family member 32; minus strand). Cytogenetic location: 6q22.31.
Variant type: single nucleotide variant.
Coding change: c.3026A>G on transcript NM_152730.6 (MANE Select); coding-DNA position 3026, A replaced by G.
Protein change: p.Gln1009Arg; replaces glutamine 1009 with arginine.
Molecular consequence: missense variant. On other transcripts: non-coding transcript variant (1).
Genome position (GRCh38, 1-based): chr6:121,115,199, T>C on the plus strand (A>G on the coding strand, the complement: TBC1D32 is on the minus strand). VCF-style: chr6-121115199-T-C. GRCh37 (hg19) VCF-style: chr6-121436345-T-C.
Other names: c.3149A>G, p.Gln1050Arg (NM_001367759.1, NM_001367760.1); short protein forms Q1009R, Q1050R.
Identifiers: ClinVar variation 2761243 (VCV002761243.3), dbSNP rs774253203, ClinGen allele CA365561199.
Genomic context (GRCh38, chr6:121,115,199, plus strand): 5'-AATGCACAAGGGAGCTATTTCCCTATAATATACCTGACAGTCATTTTAATGCCAAGCTGC[T>C]GCACAGATGAAAGACTTTCATTCTTCACATTTGCATCAGTAGCTAAAGACAACAGAAAAC-3'
Protein context (NP_689943.4, residues 999-1019): NVKNESLSSV[Gln1009Arg]QLGIKMTVRY

ClinVar aggregate classification (germline): Uncertain significance (1 of 4 stars; one submission).

gnomAD v4.1: 1 of 1,603,626 alleles (0.000062%); highest among the groups gnomAD compares: Admixed American, 0.0017%; no homozygotes.

Submission:

Labcorp Genetics (formerly Invitae), Labcorp
Classification: Uncertain significance. Last evaluated: 2023-09-17. Review status: criteria provided, single submitter. Criteria: Invitae Variant Classification Sherloc (09022015). Collection method: clinical testing. Allele origin: germline.
Comment: This sequence change replaces glutamine, which is neutral and polar, with arginine, which is basic and polar, at codon 1009 of the TBC1D32 protein (p.Gln1009Arg). This variant is not present in population databases (gnomAD no frequency). This variant has not been reported in the literature in individuals affected with TBC1D32-related conditions. An algorithm developed to predict the effect of missense changes on protein structure and function (PolyPhen-2) suggests that this variant is likely to be tolerated. In summary, the available evidence is currently insufficient to determine the role of this variant in disease. Therefore, it has been classified as a Variant of Uncertain Significance.